The following is an entry in ClinVar:

ClinVar aggregate classification (germline): Benign/Likely benign. Review status: criteria provided, multiple submitters, no conflicts (2 of 4 stars). 6 submissions from 6 submitters: Benign (2); Likely benign (4). Last evaluated 2026-01-08.

Conditions:
Inborn genetic diseases. Identifiers: MedGen C0950123, MeSH D030342.
Familial hemiplegic migraine. Identifiers: MedGen C0338484, MONDO:0000700.

Allele frequency attached by ClinVar (database versions not stated): ESP Exome Variant Server 0.00015; TOPMed 0.00016; gnomAD exomes 0.00018 and 0.00030; gnomAD 0.00020 and 0.00021; ExAC 0.00023; 1000 Genomes Project 30x 0.00031; 1000 Genomes Project 0.00040.
gnomAD v4.1: 297 of 1,613,906 alleles (0.018%); highest among the groups gnomAD compares: Non-Finnish European, 0.016%; no homozygotes.

Submissions (6):

Labcorp Genetics (formerly Invitae), Labcorp
Classification: Likely benign for Familial hemiplegic migraine. Last evaluated: 2026-01-08. Review status: criteria provided, single submitter. Criteria: Invitae Variant Classification Sherloc (09022015). Collection method: clinical testing. Allele origin: germline.

CeGaT Center for Human Genetics Tuebingen
Classification: Likely benign. Last evaluated: 2025-07-01. Review status: criteria provided, single submitter. Criteria: CeGaT Center For Human Genetics Tuebingen Variant Classification Criteria Version 2. Collection method: clinical testing. Allele origin: germline. Affected: yes. Observed: 5 variant alleles.
Comment: ATP1A2: PP2, PP3, BS2

Laboratory of Genetics, Children's Clinical University Hospital Latvia
Classification: Likely benign. Last evaluated: 2025-02-16. Review status: criteria provided, single submitter. Criteria: ACMG Guidelines, 2015. Collection method: clinical testing. Allele origin: germline. Affected: yes.

Ambry Genetics
Classification: Benign for Inborn genetic diseases. Last evaluated: 2022-05-13. Review status: criteria provided, single submitter. Criteria: Ambry Variant Classification Scheme 2023. Collection method: clinical testing. Allele origin: germline.

GeneDx
Classification: Likely benign. Last evaluated: 2019-09-24. Review status: criteria provided, single submitter. Criteria: GeneDx Variant Classification Process June 2021. Collection method: clinical testing. Allele origin: germline. Affected: yes.
Comment: In silico analysis, which includes protein predictors and evolutionary conservation, supports a deleterious effect; Observed in individuals with sporadic hemiplegic migraine, benign paroxysmal torticollis of infancy, or seizures and developmental delay, but familial segregation information was not included (Aceves et al., 2013; Danielsson et al., 2018; Hesse et al., 2018); This variant is associated with the following publications: (PMID: 24396618, 29956301, 29778030)

Athena Diagnostics
Classification: Benign. Last evaluated: 2018-12-06. Review status: criteria provided, single submitter. Criteria: Athena Diagnostics Criteria. Collection method: clinical testing. Allele origin: germline.

Literature cited by the submitters: PubMed 24396618 (cited by Ambry Genetics and Athena Diagnostics); PubMed 29778030 (cited by Athena Diagnostics); PubMed 29956301 (cited by Athena Diagnostics).

NM_000702.4(ATP1A2):c.2273G>C (p.Gly758Ala)

Gene: ATP1A2 (ATPase Na+/K+ transporting subunit alpha 2; plus strand). Cytogenetic location: 1q23.2.
Variant type: single nucleotide variant.
Coding change: c.2273G>C on transcript NM_000702.4 (MANE Select); coding-DNA position 2273, G replaced by C.
Protein change: p.Gly758Ala; replaces glycine 758 with alanine.
Molecular consequence: missense variant.
Genome position (GRCh38, 1-based): chr1:160,135,591, G>C. VCF-style: chr1-160135591-G-C. GRCh37 (hg19) VCF-style: chr1-160105381-G-C.
Other names: p.G758A:GGG>GCG; short protein forms G758A.
Identifiers: ClinVar variation 204896 (VCV000204896.45), dbSNP rs147183887, ClinGen allele CA313307.